The following is an entry in ClinVar:

ClinVar aggregate classification (germline): Uncertain significance. Review status: criteria provided, multiple submitters, no conflicts (2 of 4 stars). 2 submissions from 2 submitters: Uncertain significance (2). Last evaluated 2024-06-02.

Conditions:
Epilepsy, X-linked 1, with variable learning disabilities and behavior disorders. Also called: X-linked epilepsy-learning disabilities-behavior disorders syndrome. Identifiers: Orphanet 85294, MedGen C5774177, MONDO:0010339, OMIM 300491.

Allele frequency attached by ClinVar (database versions not stated): gnomAD 0.00001; 1000 Genomes Project 30x 0.00042.

Submissions (2):

Labcorp Genetics (formerly Invitae), Labcorp
Classification: Uncertain significance for Epilepsy, X-linked 1, with variable learning disabilities and behavior disorders. Last evaluated: 2024-06-02. Review status: criteria provided, single submitter. Criteria: Invitae Variant Classification Sherloc (09022015). Collection method: clinical testing. Allele origin: germline.
Comment: This sequence change replaces alanine, which is neutral and non-polar, with threonine, which is neutral and polar, at codon 542 of the SYN1 protein (p.Ala542Thr). The frequency data for this variant in the population databases is considered unreliable, as metrics indicate insufficient coverage at this position in the gnomAD database. This variant has not been reported in the literature in individuals affected with SYN1-related conditions. ClinVar contains an entry for this variant (Variation ID: 1187026). Algorithms developed to predict the effect of missense changes on protein structure and function output the following: SIFT: "Not Available"; PolyPhen-2: "Not Available"; Align-GVGD: "Not Available". The threonine amino acid residue is found in multiple mammalian species, which suggests that this missense change does not adversely affect protein function. In summary, the available evidence is currently insufficient to determine the role of this variant in disease. Therefore, it has been classified as a Variant of Uncertain Significance.

GeneDx
Classification: Uncertain significance. Last evaluated: 2018-12-04. Review status: criteria provided, single submitter. Criteria: GeneDx Variant Classification Process June 2021. Collection method: clinical testing. Allele origin: germline. Affected: yes.
Comment: Has not been previously published as pathogenic or benign to our knowledge; Not observed in large population cohorts (Lek et al., 2016); In silico analysis, which includes protein predictors and evolutionary conservation, supports that this variant does not alter protein structure/function

NM_006950.3(SYN1):c.1624G>A (p.Ala542Thr)

Gene: SYN1 (synapsin I; minus strand). Cytogenetic location: Xp11.3.
Variant type: single nucleotide variant.
Coding change: c.1624G>A on transcript NM_006950.3 (MANE Select); coding-DNA position 1624, G replaced by A.
Protein change: p.Ala542Thr; replaces alanine 542 with threonine.
Molecular consequence: missense variant.
Genome position (GRCh38, 1-based): chrX:47,574,360, C>T on the plus strand (G>A on the coding strand, the complement: SYN1 is on the minus strand). VCF-style: chrX-47574360-C-T. GRCh37 (hg19) VCF-style: chrX-47433759-C-T.
Other names: c.1624G>A, p.Ala542Thr (NM_133499.2); short protein forms A542T.
Identifiers: ClinVar variation 1187026 (VCV001187026.4), dbSNP rs1603050490, ClinGen allele CA412823084.